The following is an entry in ClinVar:

NM_021956.5(GRIK2):c.1478A>G (p.Asp493Gly)

Gene: GRIK2 (glutamate ionotropic receptor kainate type subunit 2; plus strand). Cytogenetic location: 6q16.3.
Variant type: single nucleotide variant.
Coding change: c.1478A>G on transcript NM_021956.5 (MANE Select); coding-DNA position 1478, A replaced by G.
Protein change: p.Asp493Gly; replaces aspartic acid 493 with glycine.
Molecular consequence: missense variant.
Genome position (GRCh38, 1-based): chr6:101,859,447, A>G. VCF-style: chr6-101859447-A-G. GRCh37 (hg19) VCF-style: chr6-102307322-A-G.
Other names: c.1478A>G, p.Asp493Gly (NM_001166247.1, NM_175768.3); c.1478A>G (NM_021956.4); short protein forms D493G.
Identifiers: ClinVar variation 3340310 (VCV003340310.2).
Genomic context (GRCh38, chr6:101,859,447, plus strand): 5'-TCCTTGGCTTTACATATGAAATTAGACTTGTGGAAGATGGGAAATATGGAGCCCAGGATG[A>G]TGCCAATGGACAATGGAATGGAATGGTTCGTGAACTAATTGATCATGTAAGTCCCTTCCC-3'
Protein context (NP_068775.1, residues 483-503): VEDGKYGAQD[Asp493Gly]ANGQWNGMVR

ClinVar aggregate classification (germline): Uncertain significance. Review status: criteria provided, multiple submitters, no conflicts (2 of 4 stars). 2 submissions from 2 submitters: Uncertain significance (2). Last evaluated 2025-01-23.

Conditions:
Inborn genetic diseases. Identifiers: MedGen C0950123, MeSH D030342.

gnomAD v4.1: 1 of 1,610,028 alleles (0.000062%); highest among the groups gnomAD compares: Non-Finnish European, 0.000085%; no homozygotes.

Submissions (2):

Ambry Genetics
Classification: Uncertain significance for Inborn genetic diseases. Last evaluated: 2025-01-23. Review status: criteria provided, single submitter. Criteria: Ambry Variant Classification Scheme 2023. Collection method: clinical testing. Allele origin: germline.

GeneDx
Classification: Uncertain significance. Last evaluated: 2023-05-24. Review status: criteria provided, single submitter. Criteria: GeneDx Variant Classification Process June 2021. Collection method: clinical testing. Allele origin: germline. Affected: yes.
Comment: Not observed at significant frequency in large population cohorts (gnomAD); In silico analysis supports that this missense variant has a deleterious effect on protein structure/function; Has not been previously published as pathogenic or benign to our knowledge